The following is an entry in ClinVar:

NM_014915.3(ANKRD26):c.1684G>A (p.Ala562Thr)

Gene: ANKRD26 (ankyrin repeat domain containing 26; minus strand). Cytogenetic location: 10p12.1.
Variant type: single nucleotide variant.
Coding change: c.1684G>A on transcript NM_014915.3 (MANE Select); coding-DNA position 1684, G replaced by A.
Protein change: p.Ala562Thr; replaces alanine 562 with threonine.
Molecular consequence: missense variant.
Genome position (GRCh38, 1-based): chr10:27,048,931, C>T on the plus strand (G>A on the coding strand, the complement: ANKRD26 is on the minus strand). VCF-style: chr10-27048931-C-T. GRCh37 (hg19) VCF-style: chr10-27337860-C-T.
Other names: c.1684G>A, p.Ala562Thr (NM_001256053.2); short protein forms A562T.
Identifiers: ClinVar variation 4102535 (VCV004102535.1).

ClinVar aggregate classification (germline): Uncertain significance (1 of 4 stars; one submission).

Conditions:
Inborn genetic diseases. Identifiers: MedGen C0950123, MeSH D030342.

gnomAD v4.1: 2 of 1,610,808 alleles (0.00012%); highest among the groups gnomAD compares: Non-Finnish European, 0.00017%; no homozygotes.

Submission:

Ambry Genetics
Classification: Uncertain significance for Inborn genetic diseases. Last evaluated: 2025-08-14. Review status: criteria provided, single submitter. Criteria: Ambry Variant Classification Scheme 2023. Collection method: clinical testing. Allele origin: germline.
Comment: The p.A562T variant (also known as c.1684G>A), located in coding exon 17 of the ANKRD26 gene, results from a G to A substitution at nucleotide position 1684. The alanine at codon 562 is replaced by threonine, an amino acid with similar properties. This amino acid position is conserved. In addition, this alteration is predicted to be tolerated by in silico analysis. Based on the available evidence, the clinical significance of this variant remains unclear.